The following is an entry in ClinVar:

NM_002890.3(RASA1):c.628G>A (p.Asp210Asn)

Genes: CCNH (cyclin H; minus strand), RASA1 (RAS p21 protein activator 1; plus strand). Cytogenetic location: 5q14.3.
Variant type: single nucleotide variant.
Coding change: c.628G>A on transcript NM_002890.3 (MANE Select); coding-DNA position 628, G replaced by A.
Protein change: p.Asp210Asn; replaces aspartic acid 210 with asparagine.
Molecular consequence: missense variant. On other transcripts: intron variant (1).
Genome position (GRCh38, 1-based): chr5:87,331,436, G>A. VCF-style: chr5-87331436-G-A. GRCh37 (hg19) VCF-style: chr5-86627253-G-A.
Other names: c.97G>A, p.Asp33Asn (NM_022650.3); c.934-18641C>T (NM_001364075.2); short protein forms D210N, D33N.
Identifiers: ClinVar variation 1936217 (VCV001936217.4), dbSNP rs2531187548, ClinGen allele CA360375845.
Genomic context (GRCh38, chr5:87,331,436, plus strand): 5'-ATAGCAGAAGAACGCCTCAGGCAGGCAGGGAAGTCTGGCAGTTATCTTATAAGAGAGAGT[G>A]ATCGGAGGCCAGGGTCCTTTGTACTTTCATTTCTTAGCCAGATGAATGTTGTCAACCATT-3'
Protein context (NP_002881.1, residues 200-220): KSGSYLIRES[Asp210Asn]RRPGSFVLSF

ClinVar aggregate classification (germline): Uncertain significance (1 of 4 stars; one submission).

Conditions:
Capillary malformation-arteriovenous malformation syndrome. Also called: Capillary malformation-arteriovenous malformation. Identifiers: Orphanet 137667, MedGen C1842180, MONDO:0012016.

Submission:

Labcorp Genetics (formerly Invitae), Labcorp
Classification: Uncertain significance for Capillary malformation-arteriovenous malformation syndrome. Last evaluated: 2023-07-23. Review status: criteria provided, single submitter. Criteria: Invitae Variant Classification Sherloc (09022015). Collection method: clinical testing. Allele origin: germline.
Comment: This sequence change replaces aspartic acid, which is acidic and polar, with asparagine, which is neutral and polar, at codon 210 of the RASA1 protein (p.Asp210Asn). This variant is not present in population databases (gnomAD no frequency). This variant has not been reported in the literature in individuals affected with RASA1-related conditions. ClinVar contains an entry for this variant (Variation ID: 1936217). An algorithm developed to predict the effect of missense changes on protein structure and function (PolyPhen-2) suggests that this variant is likely to be disruptive. In summary, the available evidence is currently insufficient to determine the role of this variant in disease. Therefore, it has been classified as a Variant of Uncertain Significance.